The following is an entry in ClinVar:

ClinVar aggregate classification (germline): Uncertain significance (1 of 4 stars; one submission).

Conditions:
Juvenile polyposis syndrome (JPS). Identifiers: Orphanet 2929, MedGen C0345893, MONDO:0017380, OMIM 174900.

Submission:

Labcorp Genetics (formerly Invitae), Labcorp
Classification: Uncertain significance for Juvenile polyposis syndrome. Last evaluated: 2025-12-12. Review status: criteria provided, single submitter. Criteria: Invitae Variant Classification Sherloc (09022015). Collection method: clinical testing. Allele origin: germline.
Comment: This sequence change replaces arginine, which is basic and polar, with threonine, which is neutral and polar, at codon 400 of the SMAD4 protein (p.Arg400Thr). This variant is not present in population databases (gnomAD no frequency). This variant has not been reported in the literature in individuals affected with SMAD4-related conditions. Invitae Evidence Modeling of protein sequence and biophysical properties (such as structural, functional, and spatial information, amino acid conservation, physicochemical variation, residue mobility, and thermodynamic stability) has been performed for this missense variant. However, the output from this modeling did not meet the statistical confidence thresholds required to predict the impact of this variant on SMAD4 protein function. In summary, the available evidence is currently insufficient to determine the role of this variant in disease. Therefore, it has been classified as a Variant of Uncertain Significance.

NM_005359.6(SMAD4):c.1199G>C (p.Arg400Thr)

Gene: SMAD4 (SMAD family member 4; plus strand). Cytogenetic location: 18q21.2.
Variant type: single nucleotide variant.
Coding change: c.1199G>C on transcript NM_005359.6 (MANE Select); coding-DNA position 1199, G replaced by C.
Protein change: p.Arg400Thr; replaces arginine 400 with threonine.
Molecular consequence: missense variant. On other transcripts: non-coding transcript variant (1).
Genome position (GRCh38, 1-based): chr18:51,067,078, G>C. VCF-style: chr18-51067078-G-C. GRCh37 (hg19) VCF-style: chr18-48593448-G-C.
Other names: c.1199G>C, p.Arg400Thr (NM_001407041.1, NM_001407042.1); short protein forms R400T.
Identifiers: ClinVar variation 4803030 (VCV004803030.1).